The following is an entry in ClinVar:

NM_001365536.1(SCN9A):c.5705G>A (p.Arg1902His)

Genes: SCN1A-AS1 (SCN1A and SCN9A antisense RNA 1; plus strand), SCN9A (sodium voltage-gated channel alpha subunit 9; minus strand). Cytogenetic location: 2q24.3.
Variant type: single nucleotide variant.
Coding change: c.5705G>A on transcript NM_001365536.1 (MANE Select); coding-DNA position 5705, G replaced by A.
Protein change: p.Arg1902His; replaces arginine 1902 with histidine.
Molecular consequence: missense variant.
Genome position (GRCh38, 1-based): chr2:166,198,934, C>T on the plus strand (G>A on the coding strand, the complement: SCN9A is on the minus strand). VCF-style: chr2-166198934-C-T. GRCh37 (hg19) VCF-style: chr2-167055444-C-T.
Other names: c.5672G>A, p.Arg1891His (NM_002977.4); short protein forms R1902H, R1891H.
Identifiers: ClinVar variation 659238 (VCV000659238.10), dbSNP rs180949263, ClinGen allele CA1943631.
Genomic context (GRCh38, chr2:166,198,934, plus strand): 5'-CTGTCTCCATCTTTTATGTATATACTTGATATATTTTTGACATTTTGCCTTAAGCGGTAA[C>T]GTCTATAAGCACGCTGAATGACAGTAGCAGACACATCCTCTTGTTTCCGTTTTAGTGTGG-3'
Protein context (NP_001352465.1, residues 1892-1912): SATVIQRAYR[Arg1902His]YRLRQNVKNI

ClinVar aggregate classification (germline): Uncertain significance. Review status: criteria provided, multiple submitters, no conflicts (2 of 4 stars). 2 submissions from 2 submitters: Uncertain significance (2). Last evaluated 2024-10-12.

Conditions:
Inborn genetic diseases. Identifiers: MedGen C0950123, MeSH D030342.
Generalized epilepsy with febrile seizures plus, type 7 (GEFSP7). Also called: GEFS+, TYPE 7. Identifiers: Orphanet 36387, MedGen C2751778, MONDO:0013470, OMIM 613863.
Neuropathy, hereditary sensory and autonomic, type 2A (HSAN2A). Also called: WNK1-Related HSAN2 (HSAN2A); MORVAN DISEASE; NEUROPATHY, CONGENITAL SENSORY; NEUROPATHY, HEREDITARY SENSORY RADICULAR, AUTOSOMAL RECESSIVE; NEUROPATHY, HEREDITARY SENSORY, TYPE IIA; NEUROPATHY, PROGRESSIVE SENSORY, OF CHILDREN. Identifiers: Orphanet 970, MedGen C2752089, MONDO:0024309, OMIM 201300.

Allele frequency attached by ClinVar (database versions not stated): gnomAD exomes below 0.00001 and 0.00001; ExAC 0.00001; gnomAD 0.00001 and 0.00002; TOPMed 0.00001; 1000 Genomes Project 30x 0.00016; 1000 Genomes Project 0.00020.
gnomAD v4.1: 9 of 1,613,884 alleles (0.00056%); highest among the groups gnomAD compares: East Asian, 0.0045%; no homozygotes.

Submissions (2):

Labcorp Genetics (formerly Invitae), Labcorp
Classification: Uncertain significance for Neuropathy, hereditary sensory and autonomic, type 2A; Generalized epilepsy with febrile seizures plus, type 7. Last evaluated: 2024-10-12. Review status: criteria provided, single submitter. Criteria: Invitae Variant Classification Sherloc (09022015). Collection method: clinical testing. Allele origin: germline.
Comment: This sequence change replaces arginine, which is basic and polar, with histidine, which is basic and polar, at codon 1891 of the SCN9A protein (p.Arg1891His). This variant is present in population databases (rs180949263, gnomAD 0.0009%). This missense change has been observed in individual(s) with epilepsy and psychomotor delay (PMID: 31780880). ClinVar contains an entry for this variant (Variation ID: 659238). Invitae Evidence Modeling of protein sequence and biophysical properties (such as structural, functional, and spatial information, amino acid conservation, physicochemical variation, residue mobility, and thermodynamic stability) indicates that this missense variant is not expected to disrupt SCN9A protein function with a negative predictive value of 95%. In summary, the available evidence is currently insufficient to determine the role of this variant in disease. Therefore, it has been classified as a Variant of Uncertain Significance.

Ambry Genetics
Classification: Uncertain significance for Inborn genetic diseases. Last evaluated: 2021-07-16. Review status: criteria provided, single submitter. Criteria: Ambry Variant Classification Scheme 2023. Collection method: clinical testing. Allele origin: germline.
Comment: The p.R1891H variant (also known as c.5672G>A), located in coding exon 26 of the SCN9A gene, results from a G to A substitution at nucleotide position 5672. The arginine at codon 1891 is replaced by histidine, an amino acid with highly similar properties. This variant was detected in the heterozygous state in an individual with secondary partial epilepsy unresponsive to treatment, psychomotor delay with Rettoid features, and left parieto-occipital type II dysplasia, who also had other variants in epilepsy-associated genes (Fern&aacute;ndez-Marmiesse A et al. Front Neurosci, 2019 Nov;13:1135). This amino acid position is not well conserved in available vertebrate species, and histidine is the reference amino acid in other vertebrate species. In addition, the in silico prediction for this alteration is inconclusive. Since supporting evidence is limited at this time, the clinical significance of this alteration remains unclear.

Literature cited by the submitters: PubMed 31780880 (cited by Labcorp Genetics (formerly Invitae), Labcorp and Ambry Genetics).